The following is an entry in ClinVar:

NM_000392.5(ABCC2):c.3149T>C (p.Val1050Ala)

Gene: ABCC2 (ATP binding cassette subfamily C member 2; plus strand). Cytogenetic location: 10q24.2.
Variant type: single nucleotide variant.
Coding change: c.3149T>C on transcript NM_000392.5 (MANE Select); coding-DNA position 3149, T replaced by C.
Protein change: p.Val1050Ala; replaces valine 1050 with alanine.
Molecular consequence: missense variant.
Genome position (GRCh38, 1-based): chr10:99,832,022, T>C. VCF-style: chr10-99832022-T-C. GRCh37 (hg19) VCF-style: chr10-101591779-T-C.
Other names: p.Val1050Ala; short protein forms V1050A.
Identifiers: ClinVar variation 3379982 (VCV003379982.1).

ClinVar aggregate classification (germline): Uncertain significance (1 of 4 stars; one submission).

gnomAD v4.1: 117 of 1,614,214 alleles (0.0072%); highest among the groups gnomAD compares: Non-Finnish European, 0.0099%; no homozygotes.

Submission:

Mayo Clinic Laboratories, Mayo Clinic
Classification: Uncertain significance. Last evaluated: 2024-04-23. Review status: criteria provided, single submitter. Criteria: ACMG Guidelines, 2015. Collection method: clinical testing. Allele origin: germline. Observed: 1 variant allele.
Comment: BP4